The following is an entry in ClinVar:

ClinVar aggregate classification (germline): Pathogenic (1 of 4 stars; one submission).

Conditions:
Facioscapulohumeral muscular dystrophy 2 (FSHD2). Also called: MUSCULAR DYSTROPHY, FACIOSCAPULOHUMERAL, TYPE 1B; FACIOSCAPULOHUMERAL MUSCULAR DYSTROPHY 2, DIGENIC; FSHD2, DIGENIC. Identifiers: Orphanet 269, MedGen C1834671, MONDO:0008031, OMIM 158901.

Submission:

Labcorp Genetics (formerly Invitae), Labcorp
Classification: Pathogenic for Facioscapulohumeral muscular dystrophy 2. Last evaluated: 2019-12-15. Review status: criteria provided, single submitter. Criteria: Invitae Variant Classification Sherloc (09022015). Collection method: clinical testing. Allele origin: germline.
Comment: This sequence change creates a premature translational stop signal (p.Ile1091Lysfs*27) in the SMCHD1 gene. It is expected to result in an absent or disrupted protein product. This variant is not present in population databases (ExAC no frequency). This variant has not been reported in the literature in individuals with SMCHD1-related conditions. Loss-of-function variants in SMCHD1 are known to be pathogenic (PMID: 23143600). For these reasons, this variant has been classified as Pathogenic.

Literature cited by the submitters: PubMed 23143600.

NM_015295.3(SMCHD1):c.3272_3275del (p.Ile1091fs)

Gene: SMCHD1 (structural maintenance of chromosomes flexible hinge domain containing 1; plus strand). Cytogenetic location: 18p11.32.
Variant type: Deletion.
Coding change: c.3272_3275del on transcript NM_015295.3 (MANE Select); coding-DNA positions 3272 to 3275, 4 bases deleted (TTAA; older notation c.3272_3275delTTAA).
Protein change: p.Ile1091fs; shifts the reading frame from isoleucine 1091.
Molecular consequence: frameshift variant.
Genome position (GRCh38, 1-based): chr18:2,732,488-2,732,491, TTAA deleted; deleting any 4 consecutive bases within chr18:2,732,486-2,732,491 gives the same sequence; the c. name uses the placement nearest the transcript's 3' end. VCF-style (leftmost placement, unchanged base first): chr18-2732485-AAATT-A. GRCh37 (hg19) VCF-style: chr18-2732483-AAATT-A.
Other names: short protein forms I1091fs.
Identifiers: ClinVar variation 862319 (VCV000862319.7), dbSNP rs2075161300, ClinGen allele CA916083629.